The following is an entry in ClinVar:

ClinVar aggregate classification (germline): Uncertain significance. Review status: criteria provided, multiple submitters, no conflicts (2 of 4 stars). 2 submissions from 2 submitters: Uncertain significance (2). Last evaluated 2024-01-31.

Conditions:
Inborn genetic diseases. Identifiers: MedGen C0950123, MeSH D030342.
Hypomyelination and Congenital Cataract (HLD5). Also called: hypomyelinating leukodystrophy 5. Identifiers: Orphanet 85163, MedGen C1864663, MONDO:0012514, OMIM 610532.

Allele frequency attached by ClinVar (database versions not stated): gnomAD 0.00001; gnomAD exomes below 0.00001; TOPMed 0.00001; ExAC 0.00001.
gnomAD v4.1: 5 of 1,613,422 alleles (0.00031%); highest among the groups gnomAD compares: East Asian, 0.0067%; no homozygotes.

Submissions (2):

Ambry Genetics
Classification: Uncertain significance for Inborn genetic diseases. Last evaluated: 2024-01-31. Review status: criteria provided, single submitter. Criteria: Ambry Variant Classification Scheme 2023. Collection method: clinical testing. Allele origin: germline.

Labcorp Genetics (formerly Invitae), Labcorp
Classification: Uncertain significance for Hypomyelination and Congenital Cataract. Last evaluated: 2022-08-23. Review status: criteria provided, single submitter. Criteria: Invitae Variant Classification Sherloc (09022015). Collection method: clinical testing. Allele origin: germline.
Comment: This sequence change replaces isoleucine, which is neutral and non-polar, with threonine, which is neutral and polar, at codon 377 of the FAM126A protein (p.Ile377Thr). This variant is present in population databases (rs746165960, gnomAD 0.02%). This variant has not been reported in the literature in individuals affected with FAM126A-related conditions. Algorithms developed to predict the effect of missense changes on protein structure and function (SIFT, PolyPhen-2, Align-GVGD) all suggest that this variant is likely to be tolerated. In summary, the available evidence is currently insufficient to determine the role of this variant in disease. Therefore, it has been classified as a Variant of Uncertain Significance.

NM_032581.4(HYCC1):c.1130T>C (p.Ile377Thr)

Gene: HYCC1 (hyccin PI4KA lipid kinase complex subunit 1; minus strand). Cytogenetic location: 7p15.3.
Variant type: single nucleotide variant.
Coding change: c.1130T>C on transcript NM_032581.4 (MANE Select); coding-DNA position 1130, T replaced by C.
Protein change: p.Ile377Thr; replaces isoleucine 377 with threonine.
Molecular consequence: missense variant. On other transcripts: 3 prime UTR variant (2).
Genome position (GRCh38, 1-based): chr7:22,946,025, A>G on the plus strand (T>C on the coding strand, the complement: HYCC1 is on the minus strand). VCF-style: chr7-22946025-A-G. GRCh37 (hg19) VCF-style: chr7-22985644-A-G.
Other names: c.1130T>C (NM_032581.3); c.*166T>C (NM_001363466.2); c.*124T>C (NM_001363467.2); short protein forms I377T.
Identifiers: ClinVar variation 2063675 (VCV002063675.5), dbSNP rs746165960, ClinGen allele CA4185784.
Genomic context (GRCh38, chr7:22,946,025, plus strand): 5'-GTAGTTTCTTTTTCTTTTCCTCCAGTTTTGCTTCCTCCTGACCGTCTGTGGTTCTTTCCT[A>G]TACTTGGCTTGTTACTACAATTGTGACTACTGTTTGATAAACCCGACTGGCTGGTACTAG-3'
Protein context (NP_115970.2, residues 367-387): SSHNCSNKPS[Ile377Thr]GKNHRRSGGS